The following is an entry in ClinVar:

NM_020937.4(FANCM):c.840T>C (p.Tyr280=)

Gene: FANCM (FA complementation group M; plus strand). Cytogenetic location: 14q21.2.
Variant type: single nucleotide variant.
Coding change: c.840T>C on transcript NM_020937.4 (MANE Select); coding-DNA position 840, T replaced by C.
Protein change: p.Tyr280=; no amino-acid change (tyrosine 280 retained).
Molecular consequence: synonymous variant.
Genome position (GRCh38, 1-based): chr14:45,148,917, T>C. VCF-style: chr14-45148917-T-C. GRCh37 (hg19) VCF-style: chr14-45618120-T-C.
Other names: c.840T>C, p.Tyr280= (NM_001308134.2); c.762T>C, p.Tyr254= (NM_001308133.2); c.840T>C (NM_020937.3).
Identifiers: ClinVar variation 1150062 (VCV001150062.25), dbSNP rs777422576, ClinGen allele CA7168863.

ClinVar aggregate classification (germline): Likely benign. Review status: criteria provided, multiple submitters, no conflicts (2 of 4 stars). 6 submissions from 6 submitters: Likely benign (5). 1 of the submissions does not count toward it. Last evaluated 2026-01-01.

Conditions:
Inborn genetic diseases. Identifiers: MedGen C0950123, MeSH D030342.
FANCM-related disorder. Also called: FANCM-related condition.
Hereditary cancer-predisposing syndrome. Also called: Tumor predisposition; Hereditary neoplastic syndrome; Hereditary Cancer Syndrome; Neoplastic Syndromes, Hereditary. Identifiers: Orphanet 140162, MedGen C0027672, MeSH D009386, MONDO:0015356.
Fanconi anemia (FA). Also called: Fanconi's anemia. Identifiers: Orphanet 84, MedGen C0015625, MeSH D005199, MONDO:0019391.

Allele frequency attached by ClinVar (database versions not stated): gnomAD exomes 0.00001 and 0.00003; gnomAD 0.00002; TOPMed 0.00003; ExAC 0.00005.
gnomAD v4.1: 18 of 1,613,424 alleles (0.0011%); highest among the groups gnomAD compares: Admixed American, 0.017%; no homozygotes.

Submissions (6):

CeGaT Center for Human Genetics Tuebingen
Classification: Likely benign. Last evaluated: 2026-01-01. Review status: criteria provided, single submitter. Criteria: CeGaT Center For Human Genetics Tuebingen Variant Classification Criteria Version 2. Collection method: clinical testing. Allele origin: germline. Affected: yes. Observed: 2 variant alleles.
Comment: FANCM: BP4, BP7

Quest Diagnostics Nichols Institute San Juan Capistrano
Classification: Likely benign. Last evaluated: 2025-03-21. Review status: criteria provided, single submitter. Criteria: Quest Diagnostics criteria. Collection method: clinical testing. Allele origin: unknown.

Ambry Genetics
Classification: Likely benign for Inborn genetic diseases. Last evaluated: 2024-11-22. Review status: criteria provided, single submitter. Criteria: Ambry Variant Classification Scheme 2023. Collection method: clinical testing. Allele origin: germline.

Labcorp Genetics (formerly Invitae), Labcorp
Classification: Likely benign for Fanconi anemia. Last evaluated: 2024-06-12. Review status: criteria provided, single submitter. Criteria: Invitae Variant Classification Sherloc (09022015). Collection method: clinical testing. Allele origin: germline.

Sema4
Classification: Likely benign for Hereditary cancer-predisposing syndrome. Last evaluated: 2021-08-19. Review status: criteria provided, single submitter. Criteria: Sema4 Curation Guidelines. Collection method: curation. Allele origin: germline.

PreventionGenetics, part of Exact Sciences
Classification: Likely benign for FANCM-related condition. Last evaluated: 2023-08-09. Review status: no assertion criteria provided. Collection method: clinical testing. Allele origin: germline. Not counted in ClinVar's aggregate classification.
Comment: This variant is classified as likely benign based on ACMG/AMP sequence variant interpretation guidelines (Richards et al. 2015 PMID: 25741868, with internal and published modifications).